The following is an entry in ClinVar:

ClinVar aggregate classification (germline): Conflicting classifications of pathogenicity. Review status: criteria provided, conflicting classifications (1 of 4 stars). 2 submissions from 2 submitters: Uncertain significance (1); Likely benign (1). Last evaluated 2025-12-08.

Conditions:
Hereditary cancer-predisposing syndrome. Also called: Neoplastic Syndromes, Hereditary; Hereditary Cancer Syndrome; Hereditary neoplastic syndrome; Tumor predisposition. Identifiers: Orphanet 140162, MedGen C0027672, MeSH D009386, MONDO:0015356.
Neuroblastoma, susceptibility to, 3. Also called: ALK-Related Neuroblastic Tumor Susceptibility. Identifiers: Orphanet 635, MedGen C2751681, MONDO:0013083, OMIM 613014.

Submissions (2):

Ambry Genetics
Classification: Likely benign for Hereditary cancer-predisposing syndrome. Last evaluated: 2025-12-08. Review status: criteria provided, single submitter. Criteria: Ambry Variant Classification Scheme 2023. Collection method: clinical testing. Allele origin: germline.

Labcorp Genetics (formerly Invitae), Labcorp
Classification: Uncertain significance for Neuroblastoma, susceptibility to, 3. Last evaluated: 2024-09-17. Review status: criteria provided, single submitter. Criteria: Invitae Variant Classification Sherloc (09022015). Collection method: clinical testing. Allele origin: germline.
Comment: This sequence change creates a premature translational stop signal (p.Leu1190Cysfs*68) in the ALK gene. It is expected to result in an absent or disrupted protein product. However, the current clinical and genetic evidence is not sufficient to establish whether loss-of-function variants in ALK cause disease. This variant is not present in population databases (gnomAD no frequency). This variant has not been reported in the literature in individuals affected with ALK-related conditions. In summary, the available evidence is currently insufficient to determine the role of this variant in disease. Therefore, it has been classified as a Variant of Uncertain Significance.

NM_004304.5(ALK):c.3568del (p.Leu1190fs)

Gene: ALK (ALK receptor tyrosine kinase; minus strand). Cytogenetic location: 2p23.2.
Variant type: Deletion.
Coding change: c.3568del on transcript NM_004304.5 (MANE Select); coding-DNA position 3568, one base deleted (C; older notation c.3568delC).
Protein change: p.Leu1190fs; shifts the reading frame from leucine 1190.
Molecular consequence: frameshift variant.
Genome position (GRCh38, 1-based): chr2:29,220,783, G deleted on the plus strand (C on the coding strand, the reverse complement: ALK is on the minus strand); the first of 3 consecutive G bases (chr2:29,220,783-29,220,785); deleting any one gives the same sequence. VCF-style (leftmost placement, unchanged base first): chr2-29220782-AG-A. GRCh37 (hg19) VCF-style: chr2-29443648-AG-A.
Other names: c.3568delC (NM_004304.4); c.364del, p.Leu122fs (NM_001353765.2); short protein forms L1190fs, L122fs.
Identifiers: ClinVar variation 3717659 (VCV003717659.3).